The following is an entry in ClinVar:

ClinVar aggregate classification (germline): Pathogenic (1 of 4 stars; one submission).

Submission:

Labcorp Genetics (formerly Invitae), Labcorp
Classification: Pathogenic. Last evaluated: 2025-12-09. Review status: criteria provided, single submitter. Criteria: Invitae Variant Classification Sherloc (09022015). Collection method: clinical testing. Allele origin: germline.
Comment: This sequence change creates a premature translational stop signal (p.Glu264Serfs*4) in the TSEN2 gene. It is expected to result in an absent or disrupted protein product. Loss-of-function variants in TSEN2 are known to be pathogenic (PMID: 20952379, 38438125). This variant is present in population databases (no rsID available, gnomAD 0.007%). This variant has not been reported in the literature in individuals affected with TSEN2-related conditions. For these reasons, this variant has been classified as Pathogenic.

Literature cited by the submitters: PubMed 20952379; PubMed 38438125.

NM_025265.4(TSEN2):c.790del (p.Glu264fs)

Gene: TSEN2 (tRNA splicing endonuclease subunit 2; plus strand). Cytogenetic location: 3p25.2.
Variant type: Deletion.
Coding change: c.790del on transcript NM_025265.4 (MANE Select); coding-DNA position 790, one base deleted (G; older notation c.790delG).
Protein change: p.Glu264fs; shifts the reading frame from glutamic acid 264.
Molecular consequence: frameshift variant. On other transcripts: non-coding transcript variant (1).
Genome position (GRCh38, 1-based): chr3:12,503,743, G deleted; the last of 2 consecutive G bases (chr3:12,503,742-12,503,743); deleting either gives the same sequence. VCF-style (leftmost placement, unchanged base first): chr3-12503741-CG-C. GRCh37 (hg19) VCF-style: chr3-12545240-CG-C.
Other names: c.790del, p.Glu264fs (NM_001145392.2, NM_001145393.3, NM_001321277.2 and 2 more transcripts); c.613del, p.Glu205fs (NM_001145394.2); short protein forms E205fs, E264fs.
Identifiers: ClinVar variation 4811769 (VCV004811769.1).